The following is an entry in ClinVar:

ClinVar aggregate classification (germline): Pathogenic/Likely pathogenic. Review status: criteria provided, multiple submitters, no conflicts (2 of 4 stars). 3 submissions from 3 submitters: Pathogenic (2); Likely pathogenic (1). Last evaluated 2026-04-30.

Conditions:
Hereditary cancer-predisposing syndrome. Also called: Neoplastic Syndromes, Hereditary; Hereditary Cancer Syndrome; Tumor predisposition; Hereditary neoplastic syndrome. Identifiers: Orphanet 140162, MedGen C0027672, MeSH D009386, MONDO:0015356.
Familial multiple polyposis syndrome (FAP). Also called: Familial Adenomatous Polyposis (FAP); Familial adenomatous polyposis; Familial intestinal polyposis; Classic familial adenomatous polyposis; Familial polyposis. Identifiers: Orphanet 733, MedGen C0032580, MONDO:0021055. Disease mechanism: loss of function.
Familial adenomatous polyposis 1 (FAP1). Also called: FAMILIAL ADENOMATOUS POLYPOSIS 1, ATTENUATED; POLYPOSIS, ADENOMATOUS INTESTINAL. Identifiers: MedGen C2713442, MONDO:0021056, OMIM 175100. Disease mechanism: loss of function.

Submissions (3):

Ambry Genetics
Classification: Pathogenic for Hereditary cancer-predisposing syndrome. Last evaluated: 2026-04-30. Review status: criteria provided, single submitter. Criteria: Ambry Variant Classification Scheme 2023. Collection method: clinical testing. Allele origin: germline.
Comment: The p.S2572* pathogenic mutation (also known as c.7715C>G), located in coding exon 15 of the APC gene, results from a C to G substitution at nucleotide position 7715. This changes the amino acid from a serine to a stop codon within coding exon 15. This variant occurs at the 3' terminus of the gene, is not expected to trigger nonsense-mediated mRNA decay, and impacts the last 9.5% of the protein. However, premature stop codons are typically deleterious in nature and a significant portion of the protein is affected (Ambry internal data). This variant was reported in individual(s) with features consistent with APC-related familial adenomatous polyposis (Ambry internal data). This variant is considered to be rare based on population cohorts in the Genome Aggregation Database (gnomAD). Based on the supporting evidence, this variant is interpreted as a disease-causing mutation.

Labcorp Genetics (formerly Invitae), Labcorp
Classification: Pathogenic for Familial adenomatous polyposis 1. Last evaluated: 2023-07-19. Review status: criteria provided, single submitter. Criteria: Invitae Variant Classification Sherloc (09022015). Collection method: clinical testing. Allele origin: germline.
Comment: This sequence change creates a premature translational stop signal (p.Ser2572*) in the APC gene. While this is not anticipated to result in nonsense mediated decay, it is expected to disrupt the last 272 amino acid(s) of the APC protein. This variant is not present in population databases (gnomAD no frequency). This variant has not been reported in the literature in individuals affected with APC-related conditions. ClinVar contains an entry for this variant (Variation ID: 231654). This variant is expected to disrupt the EB1 and HDLG binding sites, which mediate interactions with the cytoskeleton (PMID: 15311282, 17293347). While functional studies have not been performed to directly test the effect on APC protein function, this suggests that disruption of the C-terminal portion of the protein is functionally important. A different truncation (p.Tyr2645Lysfs*14) that lies downstream of this variant has been determined to be pathogenic (PMID: 9824584, 1316610, 27081525, 8381579, 22135120, Invitae). This suggests that deletion of this region of the APC protein is causative of disease. For these reasons, this variant has been classified as Pathogenic.

Laboratory for Molecular Medicine, Mass General Brigham Personalized Medicine
Classification: Likely pathogenic for Familial multiple polyposis syndrome. Last evaluated: 2018-04-17. Review status: criteria provided, single submitter. Criteria: LMM Criteria. Collection method: clinical testing. Allele origin: germline. Inheritance: Autosomal dominant inheritance. Observed: 1 variant allele.
Comment: The p.Ser2572X variant in APC has not been previously reported in individuals wi th familial adenomatous polyposis (FAP) or other APC-associated cancers and was absent from large population studies. This nonsense variant leads to a premature termination codon at position 2572. This termination codon occurs within the la st exon and is more likely to escape nonsense mediated decay (NMD) and result in a truncated protein. Loss-of-function variants in the last exon of APC have bee n reported as disease causing in individuals with FAP. In summary, although addi tional studies are required to fully establish its clinical significance, the p. Ser2572X variant is likely pathogenic. ACMG/AMP Criteria applied: PVS1_Strong; PM2.

Literature cited by the submitters: PubMed 15311282 (cited by Labcorp Genetics (formerly Invitae), Labcorp); PubMed 17293347 (cited by Labcorp Genetics (formerly Invitae), Labcorp); PubMed 9824584 (cited by Labcorp Genetics (formerly Invitae), Labcorp); PubMed 1316610 (cited by Labcorp Genetics (formerly Invitae), Labcorp); PubMed 27081525 (cited by Labcorp Genetics (formerly Invitae), Labcorp); PubMed 8381579 (cited by Labcorp Genetics (formerly Invitae), Labcorp); PubMed 22135120 (cited by Labcorp Genetics (formerly Invitae), Labcorp).

NM_000038.6(APC):c.7715C>G (p.Ser2572Ter)

Gene: APC (APC regulator of Wnt signaling pathway; plus strand). Cytogenetic location: 5q22.2.
Variant type: single nucleotide variant.
Coding change: c.7715C>G on transcript NM_000038.6 (MANE Select); coding-DNA position 7715, C replaced by G.
Protein change: p.Ser2572Ter; replaces serine 2572 with a stop codon.
Molecular consequence: nonsense.
Genome position (GRCh38, 1-based): chr5:112,843,309, C>G. VCF-style: chr5-112843309-C-G. GRCh37 (hg19) VCF-style: chr5-112179006-C-G.
Other names: NM_000038.4:c.7715C>G; p.Ser2572X; c.7715C>G, p.Ser2572Ter (NM_001127510.3, NM_001354895.2); c.7661C>G, p.Ser2554Ter (NM_001127511.3); c.7769C>G, p.Ser2590Ter (NM_001354896.2); c.7745C>G, p.Ser2582Ter (NM_001354897.2); c.7640C>G, p.Ser2547Ter (NM_001354898.2); c.7631C>G, p.Ser2544Ter (NM_001354899.2); and 7 more; short protein forms S2554*, S2572*, S2481*, S2513*, S2289*, S2412*, S2446*, S2471*.
Identifiers: ClinVar variation 231654 (VCV000231654.15), dbSNP rs876659280, ClinGen allele CA10578448.
Genomic context (GRCh38, chr5:112,843,309, plus strand): 5'-GCAAACATTCATCATCCCTTCCTCGAGTAAGCACTTGGAGAAGAACTGGAAGTTCATCTT[C>G]AATTCTTTCTGCTTCATCAGAATCCAGTGAAAAAGCAAAAAGTGAGGATGAAAAACATGT-3'